The following is an entry in ClinVar:

NM_001060.6(TBXA2R):c.548G>A (p.Cys183Tyr)

Gene: TBXA2R (thromboxane A2 receptor; minus strand). Cytogenetic location: 19p13.3.
Variant type: single nucleotide variant.
Coding change: c.548G>A on transcript NM_001060.6 (MANE Select); coding-DNA position 548, G replaced by A.
Protein change: p.Cys183Tyr; replaces cysteine 183 with tyrosine.
Molecular consequence: missense variant.
Genome position (GRCh38, 1-based): chr19:3,600,087, C>T on the plus strand (G>A on the coding strand, the complement: TBXA2R is on the minus strand). VCF-style: chr19-3600087-C-T. GRCh37 (hg19) VCF-style: chr19-3600085-C-T.
Other names: c.548G>A, p.Cys183Tyr (NM_201636.3); short protein forms C183Y.
Identifiers: ClinVar variation 1684472 (VCV001684472.1), dbSNP rs1363883059, ClinGen allele CA403333886.

ClinVar aggregate classification (germline): Likely pathogenic (0 of 4 stars; one submission).

Conditions:
Bleeding disorder, platelet-type, 13, susceptibility to (BDPLT13). Also called: BLEEDING DISORDER, SUSCEPTIBILITY TO, DUE TO DEFECTIVE PLATELET THROMBOXANE A2 RECEPTOR. Identifiers: MedGen C3279614, MONDO:0800447, OMIM 614009.

Allele frequency attached by ClinVar (database versions not stated): gnomAD exomes below 0.00001.

Submission:

ISTH-SSC Genomics in Thrombosis and Hemostasis, KU Leuven, Center for Molecular and Vascular Biology
Classification: Likely pathogenic for Bleeding disorder, platelet-type, 13, susceptibility to. Review status: no assertion criteria provided. Collection method: research. Allele origin: unknown. Affected: yes.
Comment: Submitted to GoldVariant by Dr Karyn Mégy from NIHR Bioresource - Cambridge University, UK